The following is an entry in ClinVar:

NM_006445.4(PRPF8):c.768C>A (p.Tyr256Ter)

Gene: PRPF8 (pre-mRNA processing factor 8; minus strand). Cytogenetic location: 17p13.3.
Variant type: single nucleotide variant.
Coding change: c.768C>A on transcript NM_006445.4 (MANE Select); coding-DNA position 768, C replaced by A.
Protein change: p.Tyr256Ter; replaces tyrosine 256 with a stop codon.
Molecular consequence: nonsense.
Genome position (GRCh38, 1-based): chr17:1,681,576, G>T on the plus strand (C>A on the coding strand, the complement: PRPF8 is on the minus strand). VCF-style: chr17-1681576-G-T. GRCh37 (hg19) VCF-style: chr17-1584870-G-T.
Other names: short protein forms Y256*.
Identifiers: ClinVar variation 4680973 (VCV004680973.1).

ClinVar aggregate classification (germline): Uncertain significance (1 of 4 stars; one submission).

Submission:

GeneDx
Classification: Uncertain significance. Last evaluated: 2025-07-03. Review status: criteria provided, single submitter. Criteria: GeneDx Variant Classification Process June 2021. Collection method: clinical testing. Allele origin: germline. Affected: yes.
Comment: Not observed at significant frequency in large population cohorts (gnomAD); Nonsense variant predicted to result in protein truncation or nonsense mediated decay in a gene or region of a gene for which loss of function is not a well-established mechanism of disease; Has not been previously published as pathogenic or benign to our knowledge